The following is an entry in ClinVar:

ClinVar aggregate classification (germline): Uncertain significance. Review status: criteria provided, multiple submitters, no conflicts (2 of 4 stars). 2 submissions from 2 submitters: Uncertain significance (2). Last evaluated 2025-05-04.

Conditions:
Hereditary cancer-predisposing syndrome. Also called: Neoplastic Syndromes, Hereditary; Tumor predisposition; Hereditary Cancer Syndrome; Hereditary neoplastic syndrome. Identifiers: Orphanet 140162, MedGen C0027672, MeSH D009386, MONDO:0015356.

Allele frequency attached by ClinVar (database versions not stated): TOPMed below 0.00001; gnomAD 0.00001.
gnomAD v4.1: 1 of 1,613,388 alleles (0.000062%); highest among the groups gnomAD compares: Non-Finnish European, 0.000085%; no homozygotes.

Submissions (2):

Ambry Genetics
Classification: Uncertain significance for Hereditary cancer-predisposing syndrome. Last evaluated: 2025-05-04. Review status: criteria provided, single submitter. Criteria: Ambry Variant Classification Scheme 2023. Collection method: clinical testing. Allele origin: germline.
Comment: The p.S263P variant (also known as c.787T>C), located in coding exon 6 of the RAD50 gene, results from a T to C substitution at nucleotide position 787. The serine at codon 263 is replaced by proline, an amino acid with similar properties. This amino acid position is conserved. In addition, this alteration is predicted to be tolerated by in silico analysis. Since supporting evidence is limited at this time, the clinical significance of this alteration remains unclear.

Labcorp Genetics (formerly Invitae), Labcorp
Classification: Uncertain significance for Hereditary cancer-predisposing syndrome. Last evaluated: 2023-09-26. Review status: criteria provided, single submitter. Criteria: Invitae Variant Classification Sherloc (09022015). Collection method: clinical testing. Allele origin: germline.
Comment: This variant has not been reported in the literature in individuals affected with RAD50-related conditions. This variant is not present in population databases (gnomAD no frequency). This sequence change replaces serine, which is neutral and polar, with proline, which is neutral and non-polar, at codon 263 of the RAD50 protein (p.Ser263Pro). ClinVar contains an entry for this variant (Variation ID: 1761005). In summary, the available evidence is currently insufficient to determine the role of this variant in disease. Therefore, it has been classified as a Variant of Uncertain Significance. Advanced modeling of protein sequence and biophysical properties (such as structural, functional, and spatial information, amino acid conservation, physicochemical variation, residue mobility, and thermodynamic stability) performed at Invitae indicates that this missense variant is not expected to disrupt RAD50 protein function.

NM_005732.4(RAD50):c.787T>C (p.Ser263Pro)

Gene: RAD50 (RAD50 double strand break repair protein; plus strand). Cytogenetic location: 5q31.1.
Variant type: single nucleotide variant.
Coding change: c.787T>C on transcript NM_005732.4 (MANE Select); coding-DNA position 787, T replaced by C.
Protein change: p.Ser263Pro; replaces serine 263 with proline.
Molecular consequence: missense variant.
Genome position (GRCh38, 1-based): chr5:132,587,592, T>C. VCF-style: chr5-132587592-T-C. GRCh37 (hg19) VCF-style: chr5-131923284-T-C.
Other names: short protein forms S263P.
Identifiers: ClinVar variation 1761005 (VCV001761005.6), dbSNP rs1750614814, ClinGen allele CA360940092.